The following is an entry in ClinVar:

NM_012472.6(DNAAF11):c.525T>A (p.Asp175Glu)

Gene: DNAAF11 (dynein axonemal assembly factor 11; minus strand). Cytogenetic location: 8q24.22.
Variant type: single nucleotide variant.
Coding change: c.525T>A on transcript NM_012472.6 (MANE Select); coding-DNA position 525, T replaced by A.
Protein change: p.Asp175Glu; replaces aspartic acid 175 with glutamic acid.
Molecular consequence: missense variant. On other transcripts: non-coding transcript variant (1).
Genome position (GRCh38, 1-based): chr8:132,632,868, A>T on the plus strand (T>A on the coding strand, the complement: DNAAF11 is on the minus strand). VCF-style: chr8-132632868-A-T. GRCh37 (hg19) VCF-style: chr8-133645114-A-T.
Other names: c.525T>A, p.Asp175Glu (NM_001321961.2); c.279T>A, p.Asp93Glu (NM_001321962.2); c.165T>A, p.Asp55Glu (NM_001321963.2, NM_001321964.2, NM_001321965.2 and 1 more transcripts); short protein forms D175E, D93E, D55E.
Identifiers: ClinVar variation 570454 (VCV000570454.8), dbSNP rs1316268216, ClinGen allele CA372295223.

ClinVar aggregate classification (germline): Uncertain significance (1 of 4 stars; one submission).

Conditions:
Primary ciliary dyskinesia 19. Also called: CILIARY DYSKINESIA, PRIMARY, 19, WITH OR WITHOUT SITUS INVERSUS. Identifiers: Orphanet 244, MedGen C3543826, MONDO:0013979, OMIM 614935.

Allele frequency attached by ClinVar (database versions not stated): gnomAD exomes below 0.00001; gnomAD 0.00001; TOPMed 0.00002.
gnomAD v4.1: 2 of 1,613,690 alleles (0.00012%); highest among the groups gnomAD compares: African/African-American, 0.0027%; no homozygotes.

Submission:

Labcorp Genetics (formerly Invitae), Labcorp
Classification: Uncertain significance for Primary ciliary dyskinesia 19. Last evaluated: 2018-05-10. Review status: criteria provided, single submitter. Criteria: Invitae Variant Classification Sherloc (09022015). Collection method: clinical testing. Allele origin: germline.
Comment: In summary, the available evidence is currently insufficient to determine the role of this variant in disease. Therefore, it has been classified as a Variant of Uncertain Significance. Algorithms developed to predict the effect of missense changes on protein structure and function (SIFT, PolyPhen-2, Align-GVGD) all suggest that this variant is likely to be tolerated, but these predictions have not been confirmed by published functional studies and their clinical significance is uncertain. This variant has not been reported in the literature in individuals with LRRC6-related disease. This variant is not present in population databases (ExAC no frequency). This sequence change replaces aspartic acid with glutamic acid at codon 175 of the LRRC6 protein (p.Asp175Glu). The aspartic acid residue is weakly conserved and there is a small physicochemical difference between aspartic acid and glutamic acid.